The following is an entry in ClinVar:

ClinVar aggregate classification (germline): Likely pathogenic (1 of 4 stars; one submission).

Conditions:
X-linked Alport syndrome (ATS1). Also called: COL4A5-Related Nephropathy; NEPHROPATHY AND DEAFNESS, X-LINKED. Identifiers: Orphanet 63, Orphanet 88917, MedGen C4746986, MONDO:0010520, OMIM 301050.

Submission:

MVZ Medizinische Genetik Mainz
Classification: Likely pathogenic for X-linked Alport syndrome. Last evaluated: 2024-06-12. Review status: criteria provided, single submitter. Criteria: UK Practice Guidelines For Variant Classification V4 01 2020. Collection method: clinical testing. Allele origin: germline. Inheritance: X-linked dominant inheritance. Affected: yes. Observed: 1 variant allele.
Comment: ACMG Criteria: PP3_STR,PM5,PM2_SUP

NM_033380.3(COL4A5):c.4769C>G (p.Pro1590Arg)

Gene: COL4A5 (collagen type IV alpha 5 chain; plus strand). Cytogenetic location: Xq22.3.
Variant type: single nucleotide variant.
Coding change: c.4769C>G on transcript NM_033380.3 (MANE Select); coding-DNA position 4769, C replaced by G.
Protein change: p.Pro1590Arg; replaces proline 1590 with arginine.
Molecular consequence: missense variant.
Genome position (GRCh38, 1-based): chrX:108,694,869, C>G. VCF-style: chrX-108694869-C-G. GRCh37 (hg19) VCF-style: chrX-107938099-C-G.
Other names: c.4751C>G, p.Pro1584Arg (NM_000495.5); short protein forms P1584R, P1590R.
Identifiers: ClinVar variation 3256876 (VCV003256876.1).
Genomic context (GRCh38, chrX:108,694,869, plus strand): 5'-GTGCAGTATGTGAAGCTCCAGCTGTGGTGATCGCAGTTCACAGTCAGACGATCCAGATTC[C>G]CCATTGTCCTCAGGGATGGGATTCTCTGTGGATTGGTTATTCCTTCATGATGGTATTTTA-3'
Protein context (NP_203699.1, residues 1580-1600): IAVHSQTIQI[Pro1590Arg]HCPQGWDSLW